The following is an entry in ClinVar:

NM_000520.6(HEXA):c.4A>G (p.Thr2Ala)

Gene: HEXA (hexosaminidase subunit alpha; minus strand). Cytogenetic location: 15q23.
Variant type: single nucleotide variant.
Coding change: c.4A>G on transcript NM_000520.6 (MANE Select); coding-DNA position 4, A replaced by G.
Protein change: p.Thr2Ala; replaces threonine 2 with alanine.
Molecular consequence: missense variant. On other transcripts: non-coding transcript variant (1).
Genome position (GRCh38, 1-based): chr15:72,375,969, T>C on the plus strand (A>G on the coding strand, the complement: HEXA is on the minus strand). VCF-style: chr15-72375969-T-C. GRCh37 (hg19) VCF-style: chr15-72668310-T-C.
Other names: c.4A>G, p.Thr2Ala (NM_001318825.2); short protein forms T2A.
Identifiers: ClinVar variation 2164229 (VCV002164229.4), dbSNP rs2089062515, ClinGen allele CA393070899.

ClinVar aggregate classification (germline): Uncertain significance (1 of 4 stars; one submission).

Conditions:
Tay-Sachs disease (TSD). Also called: GM2 gangliosidosis, type 1; Hexosaminidase alpha-subunit deficiency (variant B); Sphingolipidosis, Tay-Sachs; Hexosaminidase A Deficiency; HEXA DEFICIENCY; HEXA Disorders. Identifiers: Orphanet 845, MedGen C0039373, MONDO:0010100, OMIM 272800.

Allele frequency attached by ClinVar (database versions not stated): gnomAD 0.00001.
gnomAD v4.1: 2 of 1,613,416 alleles (0.00012%); highest among the groups gnomAD compares: Non-Finnish European, 0.00017%; no homozygotes.

Submission:

Labcorp Genetics (formerly Invitae), Labcorp
Classification: Uncertain significance for Tay-Sachs disease. Last evaluated: 2024-06-03. Review status: criteria provided, single submitter. Criteria: Invitae Variant Classification Sherloc (09022015). Collection method: clinical testing. Allele origin: germline.
Comment: This sequence change replaces threonine, which is neutral and polar, with alanine, which is neutral and non-polar, at codon 2 of the HEXA protein (p.Thr2Ala). This variant is not present in population databases (gnomAD no frequency). This variant has not been reported in the literature in individuals affected with HEXA-related conditions. ClinVar contains an entry for this variant (Variation ID: 2164229). Algorithms developed to predict the effect of missense changes on protein structure and function output the following: SIFT: "Not Available"; PolyPhen-2: "Not Available"; Align-GVGD: "Not Available". The alanine amino acid residue is found in multiple mammalian species, which suggests that this missense change does not adversely affect protein function. In summary, the available evidence is currently insufficient to determine the role of this variant in disease. Therefore, it has been classified as a Variant of Uncertain Significance.